The following is an entry in ClinVar:

NM_198578.4(LRRK2):c.6750C>G (p.Cys2250Trp)

Gene: LRRK2 (leucine rich repeat kinase 2; plus strand). Cytogenetic location: 12q12.
Variant type: single nucleotide variant.
Coding change: c.6750C>G on transcript NM_198578.4 (MANE Select); coding-DNA position 6750, C replaced by G.
Protein change: p.Cys2250Trp; replaces cysteine 2250 with tryptophan.
Molecular consequence: missense variant.
Genome position (GRCh38, 1-based): chr12:40,354,472, C>G. VCF-style: chr12-40354472-C-G. GRCh37 (hg19) VCF-style: chr12-40748274-C-G.
Other names: short protein forms C2250W.
Identifiers: ClinVar variation 1755242 (VCV001755242.3), dbSNP rs1592331854, ClinGen allele CA384409595.

ClinVar aggregate classification (germline): Uncertain significance (1 of 4 stars; one submission).

Conditions:
Inborn genetic diseases. Identifiers: MedGen C0950123, MeSH D030342.

Submission:

Ambry Genetics
Classification: Uncertain significance for Inborn genetic diseases. Last evaluated: 2024-09-24. Review status: criteria provided, single submitter. Criteria: Ambry Variant Classification Scheme 2023. Collection method: clinical testing. Allele origin: germline.
Comment: The p.C2250W variant (also known as c.6750C>G), located in coding exon 45 of the LRRK2 gene, results from a C to G substitution at nucleotide position 6750. The cysteine at codon 2250 is replaced by tryptophan, an amino acid with highly dissimilar properties. This amino acid position is conserved. In addition, this alteration is predicted to be tolerated by in silico analysis. Since supporting evidence is limited at this time, the clinical significance of this alteration remains unclear.